The following is an entry in ClinVar:

ClinVar aggregate classification (germline): Uncertain significance (1 of 4 stars; one submission).

Conditions:
Familial thoracic aortic aneurysm and aortic dissection (TAAD). Also called: Thoracic aortic aneurysms and dissections. Identifiers: Orphanet 91387, MedGen C4707243, MONDO:0019625.

Submission:

Labcorp Genetics (formerly Invitae), Labcorp
Classification: Uncertain significance for Familial thoracic aortic aneurysm and aortic dissection. Last evaluated: 2024-04-03. Review status: criteria provided, single submitter. Criteria: Invitae Variant Classification Sherloc (09022015). Collection method: clinical testing. Allele origin: germline.
Comment: This sequence change replaces proline, which is neutral and non-polar, with serine, which is neutral and polar, at codon 161 of the SMAD3 protein (p.Pro161Ser). This variant is not present in population databases (gnomAD no frequency). This variant has not been reported in the literature in individuals affected with SMAD3-related conditions. Advanced modeling of protein sequence and biophysical properties (such as structural, functional, and spatial information, amino acid conservation, physicochemical variation, residue mobility, and thermodynamic stability) performed at Invitae indicates that this missense variant is not expected to disrupt SMAD3 protein function with a negative predictive value of 80%. In summary, the available evidence is currently insufficient to determine the role of this variant in disease. Therefore, it has been classified as a Variant of Uncertain Significance.

NM_005902.4(SMAD3):c.481C>T (p.Pro161Ser)

Gene: SMAD3 (SMAD family member 3; plus strand). Cytogenetic location: 15q22.33.
Variant type: single nucleotide variant.
Coding change: c.481C>T on transcript NM_005902.4 (MANE Select); coding-DNA position 481, C replaced by T.
Protein change: p.Pro161Ser; replaces proline 161 with serine.
Molecular consequence: missense variant. On other transcripts: intron variant (2).
Genome position (GRCh38, 1-based): chr15:67,165,333, C>T. VCF-style: chr15-67165333-C-T. GRCh37 (hg19) VCF-style: chr15-67457671-C-T.
Other names: c.166C>T, p.Pro56Ser (NM_001145102.2, NM_001407016.1); c.349C>T, p.Pro117Ser (NM_001145103.2); c.481C>T, p.Pro161Ser (NM_001407011.1, NM_001407013.1); c.334C>T, p.Pro112Ser (NM_001407014.1); c.400+245C>T (NM_001407012.1); c.85+245C>T (NM_001407015.1); short protein forms P117S, P161S, P56S, P112S.
Identifiers: ClinVar variation 2765066 (VCV002765066.3), dbSNP rs2505213864, ClinGen allele CA392954399.